The following is an entry in ClinVar:

ClinVar aggregate classification (germline): Uncertain significance. Review status: criteria provided, multiple submitters, no conflicts (2 of 4 stars). 2 submissions from 2 submitters: Uncertain significance (2). Last evaluated 2025-01-28.

Conditions:
Inborn genetic diseases. Identifiers: MedGen C0950123, MeSH D030342.

Submissions (2):

GeneDx
Classification: Uncertain significance. Last evaluated: 2025-01-28. Review status: criteria provided, single submitter. Criteria: GeneDx Variant Classification Process June 2021. Collection method: clinical testing. Allele origin: germline. Affected: yes.
Comment: Not observed at significant frequency in large population cohorts (gnomAD); In silico analysis supports that this missense variant has a deleterious effect on protein structure/function; Has not been previously published as pathogenic or benign to our knowledge

Ambry Genetics
Classification: Uncertain significance for Inborn genetic diseases. Last evaluated: 2025-01-07. Review status: criteria provided, single submitter. Criteria: Ambry Variant Classification Scheme 2023. Collection method: clinical testing. Allele origin: germline.

NM_001142864.4(PIEZO1):c.129G>C (p.Trp43Cys)

Gene: PIEZO1 (piezo type mechanosensitive ion channel component 1 (Er blood group); minus strand). Cytogenetic location: 16q24.3.
Variant type: single nucleotide variant.
Coding change: c.129G>C on transcript NM_001142864.4 (MANE Select); coding-DNA position 129, G replaced by C.
Protein change: p.Trp43Cys; replaces tryptophan 43 with cysteine.
Molecular consequence: missense variant.
Genome position (GRCh38, 1-based): chr16:88,749,415, C>G on the plus strand (G>C on the coding strand, the complement: PIEZO1 is on the minus strand). VCF-style: chr16-88749415-C-G. GRCh37 (hg19) VCF-style: chr16-88815823-C-G.
Other names: short protein forms W43C.
Identifiers: ClinVar variation 3888696 (VCV003888696.2).
Genomic context (GRCh38, chr16:88,749,415, plus strand): 5'-AGAGCGTGGGCAGGGTCCCCTGGCCTTACCTTGGAGGCCGCATCGGGTGGGGCCGGGGAA[C>G]CAGGGCAGCAGCAGCAGGAAGAGCAGGTAGACCAGCGAGAGTCCGCTGAAGCGGAGCAGG-3'
Protein context (NP_001136336.2, residues 33-53): VYLLFLLLLP[Trp43Cys]FPGPTRCGLQ